The following is an entry in ClinVar:

NM_020457.3(THAP11):c.257A>G (p.Asn86Ser)

Genes: CENPT (centromere protein T; minus strand), THAP11 (THAP domain containing 11; plus strand). Cytogenetic location: 16q22.1.
Variant type: single nucleotide variant.
Coding change: c.257A>G on transcript NM_020457.3 (MANE Select); coding-DNA position 257, A replaced by G.
Protein change: p.Asn86Ser; replaces asparagine 86 with serine.
Molecular consequence: missense variant. On other transcripts: intron variant (1).
Genome position (GRCh38, 1-based): chr16:67,842,811, A>G. VCF-style: chr16-67842811-A-G. GRCh37 (hg19) VCF-style: chr16-67876714-A-G.
Other names: c.-492+4590T>C (NM_025082.4); c.257A>G (NM_020457.2); short protein forms N86S.
Identifiers: ClinVar variation 1441894 (VCV001441894.7), dbSNP rs922982889, ClinGen allele CA283195109.

ClinVar aggregate classification (germline): Uncertain significance. Review status: criteria provided, multiple submitters, no conflicts (2 of 4 stars). 2 submissions from 2 submitters: Uncertain significance (2). Last evaluated 2025-09-24.

Allele frequency attached by ClinVar (database versions not stated): gnomAD exomes below 0.00001.

Submissions (2):

Ambry Genetics
Classification: Uncertain significance. Last evaluated: 2025-09-24. Review status: criteria provided, single submitter. Criteria: Ambry Variant Classification Scheme 2023. Collection method: clinical testing. Allele origin: germline.

Labcorp Genetics (formerly Invitae), Labcorp
Classification: Uncertain significance. Last evaluated: 2021-08-31. Review status: criteria provided, single submitter. Criteria: Invitae Variant Classification Sherloc (09022015). Collection method: clinical testing. Allele origin: germline.
Comment: Algorithms developed to predict the effect of missense changes on protein structure and function are either unavailable or do not agree on the potential impact of this missense change (SIFT: "Tolerated"; PolyPhen-2: "Not Available"; Align-GVGD: "Class C0"). This sequence change replaces asparagine with serine at codon 86 of the THAP11 protein (p.Asn86Ser). The asparagine residue is highly conserved and there is a small physicochemical difference between asparagine and serine. This variant is not present in population databases (ExAC no frequency). This variant has not been reported in the literature in individuals affected with THAP11-related conditions. In summary, the available evidence is currently insufficient to determine the role of this variant in disease. Therefore, it has been classified as a Variant of Uncertain Significance.